The following is an entry in ClinVar:

ClinVar aggregate classification (germline): Uncertain significance (1 of 4 stars; one submission).

Conditions:
Intellectual developmental disorder, X-linked, syndromic, Stocco dos Santos type. Also called: STOCCO DOS SANTOS X-LINKED MENTAL RETARDATION SYNDROME; Stocco dos Santos syndrome; X-linked intellectual disability, Stocco dos Santos type. Identifiers: Orphanet 85288, MedGen C1845530, MONDO:0010325, OMIM 300434.

Allele frequency attached by ClinVar (database versions not stated): ExAC 0.00001; gnomAD exomes below 0.00001 and 0.00002.
gnomAD v4.1: 5 of 1,211,774 alleles (0.00041%); highest among the groups gnomAD compares: Admixed American, 0.0087%; no homozygotes.

Submission:

Baylor Genetics
Classification: Uncertain significance for Intellectual developmental disorder, X-linked, syndromic, Stocco dos Santos type. Last evaluated: 2019-12-17. Review status: criteria provided, single submitter. Criteria: ACMG Guidelines, 2015. Collection method: clinical testing. Allele origin: unknown. Affected: yes.
Comment: This variant was determined to be of uncertain significance according to ACMG Guidelines, 2015 [PMID:25741868].

NM_020717.5(SHROOM4):c.1589C>T (p.Ser530Phe)

Gene: SHROOM4 (shroom family member 4; minus strand). Cytogenetic location: Xp11.22.
Variant type: single nucleotide variant.
Coding change: c.1589C>T on transcript NM_020717.5 (MANE Select); coding-DNA position 1589, C replaced by T.
Protein change: p.Ser530Phe; replaces serine 530 with phenylalanine.
Molecular consequence: missense variant. On other transcripts: non-coding transcript variant (4).
Genome position (GRCh38, 1-based): chrX:50,634,484, G>A on the plus strand (C>T on the coding strand, the complement: SHROOM4 is on the minus strand). VCF-style: chrX-50634484-G-A. GRCh37 (hg19) VCF-style: chrX-50377484-G-A.
Other names: short protein forms S530F.
Identifiers: ClinVar variation 1029770 (VCV001029770.1), dbSNP rs781981612, ClinGen allele CA10416233.